The following is an entry in ClinVar:

ClinVar aggregate classification (germline): Uncertain significance. Review status: criteria provided, single submitter (1 of 4 stars). 2 submissions from 2 submitters: Uncertain significance (1). 1 of the submissions does not count toward it. Last evaluated 2025-09-01.

Conditions:
SLX4-related disorder. Also called: SLX4-related condition.

Allele frequency attached by ClinVar (database versions not stated): gnomAD exomes below 0.00001; ExAC 0.00001.
gnomAD v4.1: 4 of 1,614,114 alleles (0.00025%); highest among the groups gnomAD compares: Middle Eastern, 0.016%; no homozygotes.

Submissions (2):

CeGaT Center for Human Genetics Tuebingen
Classification: Uncertain significance. Last evaluated: 2025-09-01. Review status: criteria provided, single submitter. Criteria: CeGaT Center For Human Genetics Tuebingen Variant Classification Criteria Version 2. Collection method: clinical testing. Allele origin: germline. Affected: yes. Observed: 2 variant alleles.
Comment: SLX4: PM2

PreventionGenetics, part of Exact Sciences
Classification: Uncertain significance for SLX4-related condition. Last evaluated: 2024-05-21. Review status: no assertion criteria provided. Collection method: clinical testing. Allele origin: germline. Not counted in ClinVar's aggregate classification.
Comment: The SLX4 c.1951C>G variant is predicted to result in the amino acid substitution p.Pro651Ala. To our knowledge, this variant has not been reported in the literature. This variant is reported in 0.00088% of alleles in individuals of European (Non-Finnish) descent in gnomAD. At this time, the clinical significance of this variant is uncertain due to the absence of conclusive functional and genetic evidence.

NM_032444.4(SLX4):c.1951C>G (p.Pro651Ala)

Gene: SLX4 (SLX4 structure-specific endonuclease subunit; minus strand). Cytogenetic location: 16p13.3.
Variant type: single nucleotide variant.
Coding change: c.1951C>G on transcript NM_032444.4 (MANE Select); coding-DNA position 1951, C replaced by G.
Protein change: p.Pro651Ala; replaces proline 651 with alanine.
Molecular consequence: missense variant.
Genome position (GRCh38, 1-based): chr16:3,595,667, G>C on the plus strand (C>G on the coding strand, the complement: SLX4 is on the minus strand). VCF-style: chr16-3595667-G-C. GRCh37 (hg19) VCF-style: chr16-3645668-G-C.
Other names: short protein forms P651A.
Identifiers: ClinVar variation 2636464 (VCV002636464.8), dbSNP rs750627839, ClinGen allele CA7866352.